The following is an entry in ClinVar:

ClinVar aggregate classification (germline): Uncertain significance. Review status: criteria provided, multiple submitters, no conflicts (2 of 4 stars). 2 submissions from 2 submitters: Uncertain significance (2). Last evaluated 2024-10-23.

Conditions:
Propionic acidemia (PROP). Also called: GLYCINEMIA, KETOTIC; HYPERGLYCINEMIA WITH KETOACIDOSIS AND LEUKOPENIA; KETOTIC HYPERGLYCINEMIA. Identifiers: Orphanet 35, MedGen C0268579, MONDO:0011628, OMIM 606054, HP:0003571.

Allele frequency attached by ClinVar (database versions not stated): gnomAD exomes below 0.00001; ExAC 0.00001.
gnomAD v4.1: 4 of 1,612,244 alleles (0.00025%); highest among the groups gnomAD compares: South Asian, 0.0044%; no homozygotes.

Submissions (2):

Labcorp Genetics (formerly Invitae), Labcorp
Classification: Uncertain significance for Propionic acidemia. Last evaluated: 2024-10-23. Review status: criteria provided, single submitter. Criteria: Invitae Variant Classification Sherloc (09022015). Collection method: clinical testing. Allele origin: germline.
Comment: This sequence change replaces threonine, which is neutral and polar, with alanine, which is neutral and non-polar, at codon 610 of the PCCA protein (p.Thr610Ala). This variant is not present in population databases (gnomAD no frequency). This variant has not been reported in the literature in individuals affected with PCCA-related conditions. ClinVar contains an entry for this variant (Variation ID: 1209651). Invitae Evidence Modeling of protein sequence and biophysical properties (such as structural, functional, and spatial information, amino acid conservation, physicochemical variation, residue mobility, and thermodynamic stability) has been performed for this missense variant. However, the output from this modeling did not meet the statistical confidence thresholds required to predict the impact of this variant on PCCA protein function. In summary, the available evidence is currently insufficient to determine the role of this variant in disease. Therefore, it has been classified as a Variant of Uncertain Significance.

Genome-Nilou Lab
Classification: Uncertain significance for Propionic acidemia. Last evaluated: 2021-07-14. Review status: criteria provided, single submitter. Criteria: ACMG Guidelines, 2015. Collection method: clinical testing. Allele origin: germline. Affected: no.

NM_000282.4(PCCA):c.1828A>G (p.Thr610Ala)

Gene: PCCA (propionyl-CoA carboxylase subunit alpha; plus strand). Cytogenetic location: 13q32.3.
Variant type: single nucleotide variant.
Coding change: c.1828A>G on transcript NM_000282.4 (MANE Select); coding-DNA position 1828, A replaced by G.
Protein change: p.Thr610Ala; replaces threonine 610 with alanine.
Molecular consequence: missense variant. On other transcripts: non-coding transcript variant (5).
Genome position (GRCh38, 1-based): chr13:100,425,714, A>G. VCF-style: chr13-100425714-A-G. GRCh37 (hg19) VCF-style: chr13-101077968-A-G.
Other names: c.1828A>G, p.Thr610Ala (NM_001178004.2, NM_001352605.2, NM_001352609.2); c.1750A>G, p.Thr584Ala (NM_001127692.3, NM_001352607.2); c.1684A>G, p.Thr562Ala (NM_001352606.2); c.1606A>G, p.Thr536Ala (NM_001352608.2); c.883A>G, p.Thr295Ala (NM_001352610.2, NM_001352611.2); c.739A>G, p.Thr247Ala (NM_001352612.2); short protein forms T247A, T295A, T536A, T562A, T584A, T610A.
Identifiers: ClinVar variation 1209651 (VCV001209651.5), dbSNP rs749767976, ClinGen allele CA7033796.